The following is an entry in ClinVar:

ClinVar aggregate classification (germline): Uncertain significance (1 of 4 stars; one submission).

Conditions:
Hypertrophic cardiomyopathy. Also called: HYPERTROPHIC MYOCARDIOPATHY. Identifiers: Orphanet 217569, MedGen C0007194, MeSH D002312, MONDO:0005045, HP:0001639.

Allele frequency attached by ClinVar (database versions not stated): gnomAD exomes below 0.00001.
gnomAD v4.1: 1 of 1,599,688 alleles (0.000063%); highest among the groups gnomAD compares: Non-Finnish European, 0.000085%; no homozygotes.

Submission:

Labcorp Genetics (formerly Invitae), Labcorp
Classification: Uncertain significance for Hypertrophic cardiomyopathy. Last evaluated: 2018-10-05. Review status: criteria provided, single submitter. Criteria: Invitae Variant Classification Sherloc (09022015). Collection method: clinical testing. Allele origin: germline.
Comment: This sequence change replaces glutamic acid with valine at codon 1557 of the MYOM1 protein (p.Glu1557Val). The glutamic acid residue is moderately conserved and there is a moderate physicochemical difference between glutamic acid and valine. This variant is not present in population databases (ExAC no frequency). This variant has not been reported in the literature in individuals with MYOM1-related disease. Algorithms developed to predict the effect of missense changes on protein structure and function are either unavailable or do not agree on the potential impact of this missense change (SIFT: "Deleterious"; PolyPhen-2: "Probably Damaging"; Align-GVGD: "Class C0"). In summary, the available evidence is currently insufficient to determine the role of this variant in disease. Therefore, it has been classified as a Variant of Uncertain Significance.

NM_003803.4(MYOM1):c.4670A>T (p.Glu1557Val)

Gene: MYOM1 (myomesin 1; minus strand). Cytogenetic location: 18p11.31.
Variant type: single nucleotide variant.
Coding change: c.4670A>T on transcript NM_003803.4 (MANE Select); coding-DNA position 4670, A replaced by T.
Protein change: p.Glu1557Val; replaces glutamic acid 1557 with valine.
Molecular consequence: missense variant.
Genome position (GRCh38, 1-based): chr18:3,075,740, T>A on the plus strand (A>T on the coding strand, the complement: MYOM1 is on the minus strand). VCF-style: chr18-3075740-T-A. GRCh37 (hg19) VCF-style: chr18-3075738-T-A.
Other names: c.4382A>T, p.Glu1461Val (NM_019856.2); short protein forms E1557V, E1461V.
Identifiers: ClinVar variation 640815 (VCV000640815.8), dbSNP rs1598646701, ClinGen allele CA401707522.